The following is an entry in ClinVar:

NM_000540.3(RYR1):c.5634G>C (p.Glu1878Asp)

Gene: RYR1 (ryanodine receptor 1; plus strand). Cytogenetic location: 19q13.2.
Variant type: single nucleotide variant.
Coding change: c.5634G>C on transcript NM_000540.3 (MANE Select); coding-DNA position 5634, G replaced by C.
Protein change: p.Glu1878Asp; replaces glutamic acid 1878 with aspartic acid.
Molecular consequence: missense variant.
Genome position (GRCh38, 1-based): chr19:38,489,263, G>C. VCF-style: chr19-38489263-G-C. GRCh37 (hg19) VCF-style: chr19-38979903-G-C.
Other names: c.5634G>C, p.Glu1878Asp (NM_001042723.2); short protein forms E1878D.
Identifiers: ClinVar variation 93275 (VCV000093275.42), dbSNP rs114203198, ClinGen allele CA024530.
Genomic context (GRCh38, chr19:38,489,263, plus strand): 5'-TGTGAAACAGATCTTGAAGATGATTGAGCCTGAGGTCTTCACTGAGGAAGAAGAGGAGGA[G>C]GACGAGGAGGAAGAGGGTGAAGAGGAAGATGAGGAGGAGAAGGAGGAGGATGAGGAGGAA-3'
Protein context (NP_000531.2, residues 1868-1888): PEVFTEEEEE[Glu1878Asp]DEEEEGEEED

ClinVar aggregate classification (germline): Benign/Likely benign. Review status: criteria provided, multiple submitters, no conflicts (2 of 4 stars). 10 submissions from 10 submitters: Benign (5); Likely benign (5). Last evaluated 2026-09-01.

Conditions:
RYR1-related disorder. Also called: RYR1-related disorders; RYR1-related condition. Identifiers: MedGen CN239331.
Malignant hyperthermia, susceptibility to, 1 (MHS1). Also called: Malignant hyperthermia suceptibility 1; Anesthesia related hyperthermia; Malignant hyperpyrexia; Fulminating hyperpyrexia; Pharmacogenic myopathy; RYR1-Related Malignant Hyperthermia Susceptibility. Identifiers: Orphanet 423, MedGen C2930980, MONDO:0007783, OMIM 145600.

Allele frequency attached by ClinVar (database versions not stated): gnomAD exomes 0.00052 and 0.00113; 1000 Genomes Project 30x 0.00562; gnomAD 0.00452 and 0.00479; TOPMed 0.00494; ExAC 0.00137; ESP Exome Variant Server 0.00523; 1000 Genomes Project 0.00539.
gnomAD v4.1: 1,481 of 1,611,380 alleles (0.092%); highest among the groups gnomAD compares: African/African-American, 1.7%; 11 homozygotes.

Submissions (10):

CeGaT Center for Human Genetics Tuebingen
Classification: Likely benign. Last evaluated: 2026-09-01. Review status: criteria provided, single submitter. Criteria: CeGaT Center For Human Genetics Tuebingen Variant Classification Criteria Version 2. Collection method: clinical testing. Allele origin: germline. Affected: yes. Observed: 11 variant alleles.
Comment: RYR1: BP4, BS1

Labcorp Genetics (formerly Invitae), Labcorp
Classification: Benign for RYR1-related disorder. Last evaluated: 2026-01-28. Review status: criteria provided, single submitter. Criteria: Invitae Variant Classification Sherloc (09022015). Collection method: clinical testing. Allele origin: germline.

Blueprint Genetics
Classification: Likely benign. Last evaluated: 2024-11-26. Review status: criteria provided, single submitter. Criteria: ACMG Guidelines, 2015. Collection method: clinical testing. Allele origin: germline.

All of Us Research Program, National Institutes of Health
Classification: Benign for Malignant hyperthermia, susceptibility to, 1. Last evaluated: 2024-09-27. Review status: criteria provided, single submitter. Criteria: ACMG Guidelines, 2015. Collection method: clinical testing. Allele origin: germline. Inheritance: Autosomal dominant inheritance. Observed: 371 variant alleles, 370 heterozygotes, 1 homozygote.
Comment: This study involves interpretation of variants in research participants for the purpose of population health screening. Participant phenotype was not available at the time of variant classification. Additional details can be found in publication PMID: 35346344, PMCID: PMC8962531

Color Diagnostics, LLC DBA Color Health
Classification: Benign for Malignant hyperthermia, susceptibility to, 1. Last evaluated: 2022-08-17. Review status: criteria provided, single submitter. Criteria: ACMG Guidelines, 2015. Collection method: clinical testing. Allele origin: germline.

GeneDx
Classification: Likely benign. Last evaluated: 2020-11-04. Review status: criteria provided, single submitter. Criteria: GeneDx Variant Classification Process June 2021. Collection method: clinical testing. Allele origin: germline. Affected: yes.
Comment: This variant is associated with the following publications: (PMID: 30325262)

Genomic Research Center, Shahid Beheshti University of Medical Sciences
Classification: Likely benign. Last evaluated: 2018-08-07. Review status: criteria provided, single submitter. Criteria: ACMG Guidelines, 2015. Collection method: clinical testing. Allele origin: inherited. Affected: yes. Observed: 1 variant allele.

PreventionGenetics, part of Exact Sciences
Classification: Benign. Last evaluated: 2018-04-02. Review status: criteria provided, single submitter. Criteria: ACMG Guidelines, 2015. Collection method: clinical testing. Allele origin: germline.

Eurofins Ntd Llc (ga)
Classification: Benign. Last evaluated: 2013-07-31. Review status: criteria provided, single submitter. Criteria: EGL Classification Definitions 2015. Collection method: clinical testing. Allele origin: germline. Observed: 4 variant alleles, 4 heterozygotes.

Breakthrough Genomics
Classification: Likely benign. Review status: criteria provided, single submitter. Criteria: ACMG Guidelines, 2015. Collection method: not provided. Allele origin: germline. Inheritance: Autosomal recessive inheritance. Affected: yes.